The following is an entry in ClinVar:

NM_002691.4(POLD1):c.1567del (p.Leu523fs)

Gene: POLD1 (DNA polymerase delta 1, catalytic subunit; plus strand). Cytogenetic location: 19q13.33.
Variant type: Deletion.
Coding change: c.1567del on transcript NM_002691.4 (MANE Select); coding-DNA position 1567, one base deleted (C; older notation c.1567delC).
Protein change: p.Leu523fs; shifts the reading frame from leucine 523.
Molecular consequence: frameshift variant. On other transcripts: non-coding transcript variant (1).
Genome position (GRCh38, 1-based): chr19:50,407,055, C deleted. VCF-style (leftmost placement, unchanged base first): chr19-50407054-GC-G. GRCh37 (hg19) VCF-style: chr19-50910311-GC-G.
Other names: c.1567delC (NM_002691.2); c.1567del, p.Leu523fs (NM_001256849.1, NM_001308632.1); short protein forms L523fs.
Identifiers: ClinVar variation 1802056 (VCV001802056.2), dbSNP rs2514000047, ClinGen allele CA2580097636.
Genomic context (GRCh38, chr19:50,407,054, plus strand): 5'-CCAGACCCGCCGCCGCCTGGCTGTGTACTGCCTGAAGGATGCCTACCTGCCACTGCGGCT[GC>G]TGGAGCGGCTCATGGTGCTGGTGAACGCCGTGGAGATGGCGAGGGTCACTGGCGTGCCCC-3'

ClinVar aggregate classification (germline): Uncertain significance. Review status: criteria provided, multiple submitters, no conflicts (2 of 4 stars). 2 submissions from 2 submitters: Uncertain significance (2). Last evaluated 2025-12-18.

Conditions:
Hereditary cancer-predisposing syndrome. Also called: Tumor predisposition; Hereditary Cancer Syndrome; Hereditary neoplastic syndrome; Neoplastic Syndromes, Hereditary. Identifiers: Orphanet 140162, MedGen C0027672, MeSH D009386, MONDO:0015356.

Submissions (2):

Ambry Genetics
Classification: Uncertain significance for Hereditary cancer-predisposing syndrome. Last evaluated: 2025-12-18. Review status: criteria provided, single submitter. Criteria: Ambry Variant Classification Scheme 2023. Collection method: clinical testing. Allele origin: germline.
Comment: The c.1567delC variant, located in coding exon 12 of the POLD1 gene, results from a deletion of one nucleotide at nucleotide position 1567, causing a translational frameshift with a predicted alternate stop codon (p.L523Wfs*8). This alteration is expected to result in protein truncation or nonsense-mediated mRNA decay. However, loss of function has not been established as a mechanism of disease. Based on the available evidence, the clinical significance of this alteration remains unclear.

GeneDx
Classification: Uncertain significance. Last evaluated: 2022-06-01. Review status: criteria provided, single submitter. Criteria: GeneDx Variant Classification Process June 2021. Collection method: clinical testing. Allele origin: germline. Affected: yes.
Comment: Not observed at significant frequency in large population cohorts (gnomAD); Has not been previously published as pathogenic or benign to our knowledge; Some missense variants in POLD1 have been recognized as an underlying cause of Polymerase Proofreading-Associated Polyposis (PPAP); however, there are no data at this time to support that loss-of-function variants confer the same cancer risks